The following is an entry in ClinVar:

ClinVar aggregate classification (germline): Uncertain significance (1 of 4 stars; one submission).

Submission:

Women's Health and Genetics/Laboratory Corporation of America, LabCorp
Classification: Uncertain significance. Last evaluated: 2024-10-29. Review status: criteria provided, single submitter. Criteria: LabCorp Variant Classification Summary - May 2015. Collection method: clinical testing. Allele origin: germline.
Comment: Variant summary: NPR2 c.1549C>G (p.Leu517Val) results in a conservative amino acid change located in the Protein kinase domain (IPR000719) of the encoded protein sequence. Three of five in-silico tools predict a damaging effect of the variant on protein function. The variant was absent in 251472 control chromosomes. The available data on variant occurrences in the general population are insufficient to allow any conclusion about variant significance. To our knowledge, no occurrence of c.1549C>G in individuals affected with NPR2-Related Disorders and no experimental evidence demonstrating its impact on protein function have been reported. No submitters have cited clinical-significance assessments for this variant to ClinVar. Based on the evidence outlined above, the variant was classified as uncertain significance.

NM_003995.4(NPR2):c.1549C>G (p.Leu517Val)

Gene: NPR2 (natriuretic peptide receptor 2; plus strand). Cytogenetic location: 9p13.3.
Variant type: single nucleotide variant.
Coding change: c.1549C>G on transcript NM_003995.4 (MANE Select); coding-DNA position 1549, C replaced by G.
Protein change: p.Leu517Val; replaces leucine 517 with valine.
Molecular consequence: missense variant.
Genome position (GRCh38, 1-based): chr9:35,801,755, C>G. VCF-style: chr9-35801755-C-G. GRCh37 (hg19) VCF-style: chr9-35801752-C-G.
Other names: c.1558C>G, p.Leu520Val (NM_001378923.1); short protein forms L517V, L520V.
Identifiers: ClinVar variation 3384947 (VCV003384947.1).